The following is an entry in ClinVar:

NM_000419.5(ITGA2B):c.2075G>A (p.Arg692Gln)

Gene: ITGA2B (integrin subunit alpha 2b; minus strand). Cytogenetic location: 17q21.31.
Variant type: single nucleotide variant.
Coding change: c.2075G>A on transcript NM_000419.5 (MANE Select); coding-DNA position 2075, G replaced by A.
Protein change: p.Arg692Gln; replaces arginine 692 with glutamine.
Molecular consequence: missense variant.
Genome position (GRCh38, 1-based): chr17:44,378,381, C>T on the plus strand (G>A on the coding strand, the complement: ITGA2B is on the minus strand). VCF-style: chr17-44378381-C-T. GRCh37 (hg19) VCF-style: chr17-42455749-C-T.
Other names: p.Arg692Gln; short protein forms R692Q.
Identifiers: ClinVar variation 3366452 (VCV003366452.2).

ClinVar aggregate classification (germline): Conflicting classifications of pathogenicity. Review status: criteria provided, conflicting classifications (1 of 4 stars). 3 submissions from 3 submitters: Uncertain significance (2); Likely benign (1). Last evaluated 2025-10-28.

Conditions:
Inborn genetic diseases. Identifiers: MedGen C0950123, MeSH D030342.

gnomAD v4.1: 53 of 1,612,552 alleles (0.0033%); highest among the groups gnomAD compares: East Asian, 0.0045%; no homozygotes.

Submissions (3):

Ambry Genetics
Classification: Likely benign for Inborn genetic diseases. Last evaluated: 2025-10-28. Review status: criteria provided, single submitter. Criteria: Ambry Variant Classification Scheme 2023. Collection method: clinical testing. Allele origin: germline.

Mayo Clinic Laboratories, Mayo Clinic
Classification: Uncertain significance. Last evaluated: 2025-10-10. Review status: criteria provided, single submitter. Criteria: ACMG Guidelines, 2015. Collection method: clinical testing. Allele origin: germline. Observed: 1 variant allele.
Comment: BP4_moderate

Women's Health and Genetics/Laboratory Corporation of America, LabCorp
Classification: Uncertain significance. Last evaluated: 2024-08-07. Review status: criteria provided, single submitter. Criteria: LabCorp Variant Classification Summary - May 2015. Collection method: clinical testing. Allele origin: germline.
Comment: Variant summary: ITGA2B c.2075G>A (p.Arg692Gln) results in a conservative amino acid change located in the Integrin alpha, second immunoglobulin-like domain (IPR048285) of the encoded protein sequence. Five of five in-silico tools predict a benign effect of the variant on protein function. The variant allele was found at a frequency of 5.6e-05 in 248758 control chromosomes. This frequency is not significantly higher than estimated for a pathogenic variant in ITGA2B causing ITGA2B-Related Disorders, allowing no conclusion about variant significance. To our knowledge, no occurrence of c.2075G>A in individuals affected with ITGA2B-Related Disorders and no experimental evidence demonstrating its impact on protein function have been reported. No submitters have cited clinical-significance assessments for this variant to ClinVar. Based on the evidence outlined above, the variant was classified as uncertain significance.